The following is an entry in ClinVar:

NM_000179.3(MSH6):c.342C>T (p.Pro114=)

Gene: MSH6 (mutS homolog 6; plus strand). Cytogenetic location: 2p16.3.
Variant type: single nucleotide variant.
Coding change: c.342C>T on transcript NM_000179.3 (MANE Select); coding-DNA position 342, C replaced by T.
Protein change: p.Pro114=; no amino-acid change (proline 114 retained).
Molecular consequence: synonymous variant. On other transcripts: 5 prime UTR variant (2), intron variant (1).
Genome position (GRCh38, 1-based): chr2:47,791,008, C>T. VCF-style: chr2-47791008-C-T. GRCh37 (hg19) VCF-style: chr2-48018147-C-T.
Other names: c.-395C>T (NM_001281493.2); c.-561C>T (NM_001281494.2); c.237+7538C>T (NM_001281492.2).
Identifiers: ClinVar variation 378965 (VCV000378965.17), dbSNP rs1057520438, ClinGen allele CA16604290.

ClinVar aggregate classification (germline): Benign/Likely benign. Review status: criteria provided, multiple submitters, no conflicts (2 of 4 stars). 6 submissions from 6 submitters: Benign (1); Likely benign (5). Last evaluated 2026-01-18.

Conditions:
Hereditary nonpolyposis colorectal neoplasms. Identifiers: MedGen C0009405, MeSH D003123.
Hereditary cancer-predisposing syndrome. Also called: Tumor predisposition; Hereditary neoplastic syndrome; Neoplastic Syndromes, Hereditary; Hereditary Cancer Syndrome. Identifiers: Orphanet 140162, MedGen C0027672, MeSH D009386, MONDO:0015356.
Lynch syndrome. Identifiers: Orphanet 144, MedGen C4552100, MONDO:0005835. Disease mechanism: loss of function.
Lynch syndrome 5 (LYNCH5). Also called: Colorectal cancer, hereditary nonpolyposis, type 5; Hereditary non-polyposis colorectal cancer, type 5. Identifiers: Orphanet 144, MedGen C1833477, MONDO:0013710, OMIM 614350. Disease mechanism: loss of function.

Allele frequency attached by ClinVar (database versions not stated): gnomAD exomes below 0.00001; TOPMed 0.00001.
gnomAD v4.1: 1 of 1,614,226 alleles (0.000062%); highest among the groups gnomAD compares: African/African-American, 0.0013%; no homozygotes.

Submissions (6):

Labcorp Genetics (formerly Invitae), Labcorp
Classification: Likely benign for Hereditary nonpolyposis colorectal neoplasms. Last evaluated: 2026-01-18. Review status: criteria provided, single submitter. Criteria: Invitae Variant Classification Sherloc (09022015). Collection method: clinical testing. Allele origin: germline.

Myriad Genetics, Inc.
Classification: Benign for Lynch syndrome 5. Last evaluated: 2024-12-18. Review status: criteria provided, single submitter. Criteria: Myriad Autosomal Dominant, Autosomal Recessive and X-Linked Classification Criteria (2023). Collection method: clinical testing. Allele origin: unknown.
Comment: This variant is considered benign. This variant is a silent/synonymous amino acid change and it is not expected to impact splicing.

All of Us Research Program, National Institutes of Health
Classification: Likely benign for Lynch syndrome. Last evaluated: 2023-12-13. Review status: criteria provided, single submitter. Criteria: ACMG Guidelines, 2015. Collection method: clinical testing. Allele origin: germline. Inheritance: Autosomal dominant inheritance. Observed: 1 variant allele, 1 heterozygote.
Comment: This study involves interpretation of variants in research participants for the purpose of population health screening. Participant phenotype was not available at the time of variant classification. Additional details can be found in publication PMID: 35346344, PMCID: PMC8962531

Ambry Genetics
Classification: Likely benign for Hereditary cancer-predisposing syndrome. Last evaluated: 2022-10-10. Review status: criteria provided, single submitter. Criteria: Ambry Variant Classification Scheme 2023. Collection method: clinical testing. Allele origin: germline.

Color Diagnostics, LLC DBA Color Health
Classification: Likely benign for Hereditary cancer-predisposing syndrome. Last evaluated: 2017-03-16. Review status: criteria provided, single submitter. Criteria: ACMG Guidelines, 2015. Collection method: clinical testing. Allele origin: germline.

GeneDx
Classification: Likely benign. Last evaluated: 2016-04-15. Review status: criteria provided, single submitter. Criteria: GeneDx Variant Classification (06012015). Collection method: clinical testing. Allele origin: germline. Affected: yes.
Comment: This variant is considered likely benign or benign based on one or more of the following criteria: it is a conservative change, it occurs at a poorly conserved position in the protein, it is predicted to be benign by multiple in silico algorithms, and/or has population frequency not consistent with disease.